The following is an entry in ClinVar:

ClinVar aggregate classification (germline): Uncertain significance (1 of 4 stars; one submission).

Allele frequency attached by ClinVar (database versions not stated): ExAC 0.00002; gnomAD exomes 0.00003.
gnomAD v4.1: 6 of 1,603,368 alleles (0.00037%); highest among the groups gnomAD compares: Admixed American, 0.0067%; no homozygotes.

Submission:

Labcorp Genetics (formerly Invitae), Labcorp
Classification: Uncertain significance. Last evaluated: 2022-11-01. Review status: criteria provided, single submitter. Criteria: Invitae Variant Classification Sherloc (09022015). Collection method: clinical testing. Allele origin: germline.
Comment: In summary, the available evidence is currently insufficient to determine the role of this variant in disease. Therefore, it has been classified as a Variant of Uncertain Significance. Advanced modeling of protein sequence and biophysical properties (such as structural, functional, and spatial information, amino acid conservation, physicochemical variation, residue mobility, and thermodynamic stability) performed at Invitae indicates that this missense variant is not expected to disrupt PITPNM3 protein function. ClinVar contains an entry for this variant (Variation ID: 839119). This variant has not been reported in the literature in individuals affected with PITPNM3-related conditions. This variant is present in population databases (rs759738734, gnomAD 0.01%). This sequence change replaces arginine, which is basic and polar, with histidine, which is basic and polar, at codon 904 of the PITPNM3 protein (p.Arg904His).

NM_031220.4(PITPNM3):c.2711G>A (p.Arg904His)

Gene: PITPNM3 (PITPNM family member 3; minus strand). Cytogenetic location: 17p13.2.
Variant type: single nucleotide variant.
Coding change: c.2711G>A on transcript NM_031220.4 (MANE Select); coding-DNA position 2711, G replaced by A.
Protein change: p.Arg904His; replaces arginine 904 with histidine.
Molecular consequence: missense variant.
Genome position (GRCh38, 1-based): chr17:6,455,552, C>T on the plus strand (G>A on the coding strand, the complement: PITPNM3 is on the minus strand). VCF-style: chr17-6455552-C-T. GRCh37 (hg19) VCF-style: chr17-6358872-C-T.
Other names: c.2603G>A, p.Arg868His (NM_001165966.2); short protein forms R868H, R904H.
Identifiers: ClinVar variation 839119 (VCV000839119.11), dbSNP rs759738734, ClinGen allele CA8329038.